The following is an entry in ClinVar:

NM_001035.3(RYR2):c.2843G>A (p.Cys948Tyr)

Gene: RYR2 (ryanodine receptor 2; plus strand). Cytogenetic location: 1q43.
Variant type: single nucleotide variant.
Coding change: c.2843G>A on transcript NM_001035.3 (MANE Select); coding-DNA position 2843, G replaced by A.
Protein change: p.Cys948Tyr; replaces cysteine 948 with tyrosine.
Molecular consequence: missense variant.
Genome position (GRCh38, 1-based): chr1:237,530,447, G>A. VCF-style: chr1-237530447-G-A. GRCh37 (hg19) VCF-style: chr1-237693747-G-A.
Other names: short protein forms C948Y.
Identifiers: ClinVar variation 3070022 (VCV003070022.1), dbSNP rs1260308629, ClinGen allele CA345387940.

ClinVar aggregate classification (germline): Uncertain significance (1 of 4 stars; one submission).

Conditions:
Catecholaminergic polymorphic ventricular tachycardia (CVPT). Also called: Catecholamine-induced polymorphic ventricular tachycardia. Identifiers: Orphanet 3286, MedGen C5574922, MONDO:0017990.

gnomAD v4.1: 1 of 1,608,560 alleles (0.000062%); highest among the groups gnomAD compares: Admixed American, 0.0017%; no homozygotes.

Submission:

All of Us Research Program, National Institutes of Health
Classification: Uncertain significance for Catecholaminergic polymorphic ventricular tachycardia. Last evaluated: 2023-03-28. Review status: criteria provided, single submitter. Criteria: ACMG Guidelines, 2015. Collection method: clinical testing. Allele origin: germline. Inheritance: Autosomal dominant inheritance. Observed: 1 variant allele, 1 heterozygote.
Comment: This study involves interpretation of variants in research participants for the purpose of population health screening. Participant phenotype was not available at the time of variant classification. Additional details can be found in publication PMID: 35346344, PMCID: PMC8962531